The following is an entry in ClinVar:

NM_000785.4(CYP27B1):c.1144C>T (p.Pro382Ser)

Gene: CYP27B1 (cytochrome P450 family 27 subfamily B member 1; minus strand). Cytogenetic location: 12q14.1.
Variant type: single nucleotide variant.
Coding change: c.1144C>T on transcript NM_000785.4 (MANE Select); coding-DNA position 1144, C replaced by T.
Protein change: p.Pro382Ser; replaces proline 382 with serine.
Molecular consequence: missense variant.
Genome position (GRCh38, 1-based): chr12:57,764,169, G>A on the plus strand (C>T on the coding strand, the complement: CYP27B1 is on the minus strand). VCF-style: chr12-57764169-G-A. GRCh37 (hg19) VCF-style: chr12-58157952-G-A.
Other names: short protein forms P382S.
Identifiers: ClinVar variation 1661 (VCV000001661.6), dbSNP rs28934607, ClinGen allele CA115127.

ClinVar aggregate classification (germline): Uncertain significance. Review status: criteria provided, single submitter (1 of 4 stars). 2 submissions from 2 submitters: Uncertain significance (1). 1 of the submissions does not count toward it. Last evaluated 2021-08-06.

Conditions:
Vitamin D-dependent rickets, type 1A. Also called: PDDR IA; PSEUDOVITAMIN D-DEFICIENCY RICKETS, TYPE IA; VITAMIN D HYDROXYLATION-DEFICIENT RICKETS, TYPE 1A. Identifiers: MedGen CN283242, MONDO:0020723, OMIM 264700.

Allele frequency attached by ClinVar (database versions not stated): gnomAD 0.00001.
gnomAD v4.1: 1 of 1,613,512 alleles (0.000062%); highest among the groups gnomAD compares: East Asian, 0.0022%; no homozygotes.

Submissions (2):

Labcorp Genetics (formerly Invitae), Labcorp
Classification: Uncertain significance. Last evaluated: 2021-08-06. Review status: criteria provided, single submitter. Criteria: Invitae Variant Classification Sherloc (09022015). Collection method: clinical testing. Allele origin: germline.
Comment: Algorithms developed to predict the effect of missense changes on protein structure and function (SIFT, PolyPhen-2, Align-GVGD) all suggest that this variant is likely to be disruptive. Experimental studies have shown that this missense change affects CYP27B1 function (PMID: 9486994). This variant disrupts the p.Pro382 amino acid residue in CYP27B1. Other variant(s) that disrupt this residue have been observed in individuals with CYP27B1-related conditions (PMID: 27287609), which suggests that this may be a clinically significant amino acid residue. In summary, the available evidence is currently insufficient to determine the role of this variant in disease. Therefore, it has been classified as a Variant of Uncertain Significance. This variant is not present in population databases (ExAC no frequency). This sequence change replaces proline with serine at codon 382 of the CYP27B1 protein (p.Pro382Ser). The proline residue is highly conserved and there is a moderate physicochemical difference between proline and serine. This missense change has been observed in individual(s) with clinical features of vitamin D-dependent rickets (PMID: 9486994; Invitae). In at least one individual the data is consistent with the variant being in trans (on the opposite chromosome) from a pathogenic variant. ClinVar contains an entry for this variant (Variation ID: 1661).

OMIM
Classification: Pathogenic for VITAMIN D HYDROXYLATION-DEFICIENT RICKETS, TYPE 1A. Last evaluated: 1998-03-05. Review status: no assertion criteria provided. Collection method: literature only. Allele origin: germline. Not counted in ClinVar's aggregate classification.

Literature cited by the submitters: PubMed 9486994 (cited by Labcorp Genetics (formerly Invitae), Labcorp and OMIM); PubMed 27287609 (cited by Labcorp Genetics (formerly Invitae), Labcorp).